The following is an entry in ClinVar:

ClinVar aggregate classification (germline): Pathogenic (1 of 4 stars; one submission).

Conditions:
Hereditary breast ovarian cancer syndrome. Also called: Hereditary breast and ovarian cancer; Breast and ovarian cancer; BRCA1- and BRCA2-Associated Hereditary Breast and Ovarian Cancer; Hereditary breast and/or ovarian cancer syndrome; Hereditary breast and ovarian cancer syndrome; Hereditary breast and ovarian cancer syndrome (HBOC). Identifiers: Orphanet 145, MedGen C0677776, MeSH D061325, MONDO:0003582. Disease mechanism: loss of function.

gnomAD v4.1: 1 of 1,609,642 alleles (0.000062%); highest among the groups gnomAD compares: Non-Finnish European, 0.000085%; no homozygotes.

Submission:

Labcorp Genetics (formerly Invitae), Labcorp
Classification: Pathogenic for Hereditary breast ovarian cancer syndrome. Last evaluated: 2022-06-29. Review status: criteria provided, single submitter. Criteria: Invitae Variant Classification Sherloc (09022015). Collection method: clinical testing. Allele origin: germline.
Comment: This sequence change affects a donor splice site in intron 19 of the BRCA2 gene. RNA analysis indicates that disruption of this splice site induces altered splicing and likely results in a shortened protein product. This variant is not present in population databases (gnomAD no frequency). This variant has not been reported in the literature in individuals affected with BRCA2-related conditions. ClinVar contains an entry for this variant (Variation ID: 1076812). Studies have shown that disruption of this splice site results in skipping of exon 19, but is expected to preserve the integrity of the reading-frame (PMID: 12606139, 16619214, 22632462). This variant disrupts a region of the BRCA2 protein in which other variant(s) (p.Gly2793Arg) have been determined to be pathogenic (PMID: 12442275, 15889636, 16030099, 23108138, 23233716, 25085752, 25777348). This suggests that this is a clinically significant region of the protein, and that variants that disrupt it are likely to be disease-causing. For these reasons, this variant has been classified as Pathogenic.

Literature cited by the submitters: PubMed 12606139; PubMed 16619214; PubMed 22632462; PubMed 12442275; PubMed 15889636; PubMed 16030099; PubMed 23108138; PubMed 23233716; PubMed 25085752; PubMed 25777348.

NM_000059.4(BRCA2):c.8487+1G>C

Gene: BRCA2 (BRCA2 DNA repair associated; plus strand). Cytogenetic location: 13q13.1.
Variant type: single nucleotide variant.
Coding change: c.8487+1G>C on transcript NM_000059.4 (MANE Select); the canonical splice donor site of the intron after coding-DNA position 8487, G replaced by C.
Molecular consequence: splice donor variant.
Genome position (GRCh38, 1-based): chr13:32,370,558, G>C. VCF-style: chr13-32370558-G-C. GRCh37 (hg19) VCF-style: chr13-32944695-G-C.
Other names: c.8487+1G>C (NM_001406720.1); c.8391+1G>C (NM_001406719.1); c.3555+1G>C (NM_001406721.1); c.2070+1G>C (NM_001406722.1).
Identifiers: ClinVar variation 1076812 (VCV001076812.11), dbSNP rs81002798, ClinGen allele CA387752649.